The following is an entry in ClinVar:

ClinVar aggregate classification (germline): Likely benign. Review status: criteria provided, single submitter (1 of 4 stars). 2 submissions from 2 submitters: Likely benign (1). 1 of the submissions does not count toward it. Last evaluated 2024-05-09.

Conditions:
FCSK-related disorder. Also called: FCSK-related condition.

gnomAD v4.1: 205 of 1,612,424 alleles (0.013%); highest among the groups gnomAD compares: Non-Finnish European, 0.017%; no homozygotes.

Submissions (2):

Labcorp Genetics (formerly Invitae), Labcorp
Classification: Likely benign. Last evaluated: 2024-05-09. Review status: criteria provided, single submitter. Criteria: Invitae Variant Classification Sherloc (09022015). Collection method: clinical testing. Allele origin: germline.

PreventionGenetics, part of Exact Sciences
Classification: Likely benign for FCSK-related condition. Last evaluated: 2019-12-04. Review status: no assertion criteria provided. Collection method: clinical testing. Allele origin: germline. Not counted in ClinVar's aggregate classification.
Comment: This variant is classified as likely benign based on ACMG/AMP sequence variant interpretation guidelines (Richards et al. 2015 PMID: 25741868, with internal and published modifications).

NM_145059.3(FCSK):c.412-6C>T

Gene: FCSK (fucose kinase; plus strand). Cytogenetic location: 16q22.1.
Variant type: single nucleotide variant.
Coding change: c.412-6C>T on transcript NM_145059.3 (MANE Select); 6 bases into the intron before coding-DNA position 412, C replaced by T.
Molecular consequence: intron variant.
Genome position (GRCh38, 1-based): chr16:70,466,876, C>T. VCF-style: chr16-70466876-C-T. GRCh37 (hg19) VCF-style: chr16-70500779-C-T.
Other names: c.412-6C>T (NM_145059.2).
Identifiers: ClinVar variation 1682350 (VCV001682350.10), dbSNP rs370093497, ClinGen allele CA8142898.